The following is an entry in ClinVar:

NM_052813.5(CARD9):c.125_126delinsTT (p.Pro42Leu)

Gene: CARD9 (caspase recruitment domain family member 9; minus strand). Cytogenetic location: 9q34.3.
Variant type: Indel.
Coding change: c.125_126delinsTT on transcript NM_052813.5 (MANE Select); coding-DNA positions 125 to 126, CC replaced by TT.
Protein change: p.Pro42Leu; replaces proline 42 with leucine.
Molecular consequence: missense variant.
Genome position (GRCh38, 1-based): chr9:136,371,953-136,371,954, GG replaced by AA on the plus strand (CC replaced by TT on the coding strand, the reverse complement: CARD9 is on the minus strand). VCF-style: chr9-136371953-GG-AA. GRCh37 (hg19) VCF-style: chr9-139266405-GG-AA.
Other names: c.125_126delinsTT, p.Pro42Leu (NM_052814.4); short protein forms P42L.
Identifiers: ClinVar variation 2915900 (VCV002915900.3), dbSNP rs2538671781, ClinGen allele CA2739265245.

ClinVar aggregate classification (germline): Uncertain significance (1 of 4 stars; one submission).

Conditions:
Predisposition to invasive fungal disease due to CARD9 deficiency (IMD103). Also called: Candidiasis, familial, 2, autosomal recessive; CARD9 IMMUNODEFICIENCY; IMMUNODEFICIENCY 103, SUSCEPTIBILITY TO FUNGAL INFECTIONS. Identifiers: Orphanet 457088, MedGen C1859353, MONDO:0008905, OMIM 212050.

Submission:

Labcorp Genetics (formerly Invitae), Labcorp
Classification: Uncertain significance for Predisposition to invasive fungal disease due to CARD9 deficiency. Last evaluated: 2024-01-04. Review status: criteria provided, single submitter. Criteria: Invitae Variant Classification Sherloc (09022015). Collection method: clinical testing. Allele origin: germline.
Comment: This variant, c.125_126delinsTT, is a complex sequence change that results in the deletion of 1 and insertion of 1 amino acid(s) in the CARD9 protein (p.Pro42Leu). Information on the frequency of this variant in the gnomAD database is not available, as this variant may be reported differently in the database. This variant has not been reported in the literature in individuals affected with CARD9-related conditions. An algorithm developed to predict the effect of missense changes on protein structure and function (PolyPhen-2) suggests that this variant is likely to be tolerated. In summary, the available evidence is currently insufficient to determine the role of this variant in disease. Therefore, it has been classified as a Variant of Uncertain Significance.